The following is an entry in ClinVar:

ClinVar aggregate classification (germline): Uncertain significance. Review status: criteria provided, multiple submitters, no conflicts (2 of 4 stars). 2 submissions from 2 submitters: Uncertain significance (2). Last evaluated 2023-09-20.

Conditions:
Inborn genetic diseases. Identifiers: MedGen C0950123, MeSH D030342.

Allele frequency attached by ClinVar (database versions not stated): ExAC 0.00001; gnomAD exomes 0.00001.
gnomAD v4.1: 14 of 1,614,120 alleles (0.00087%); highest among the groups gnomAD compares: South Asian, 0.0011%; no homozygotes.

Submissions (2):

Ambry Genetics
Classification: Uncertain significance for Inborn genetic diseases. Last evaluated: 2023-09-20. Review status: criteria provided, single submitter. Criteria: Ambry Variant Classification Scheme 2023. Collection method: clinical testing. Allele origin: germline.
Comment: The p.T119M variant (also known as c.356C>T), located in coding exon 4 of the MDH2 gene, results from a C to T substitution at nucleotide position 356. The threonine at codon 119 is replaced by methionine, an amino acid with similar properties. This amino acid position is conserved. In addition, the in silico prediction for this alteration is inconclusive. Since supporting evidence is limited at this time, the clinical significance of this alteration remains unclear.

Breakthrough Genomics
Classification: Uncertain significance. Review status: criteria provided, single submitter. Criteria: ACMG Guidelines, 2015. Collection method: not provided. Allele origin: germline. Inheritance: Autosomal recessive inheritance. Affected: yes.

NM_005918.4(MDH2):c.356C>T (p.Thr119Met)

Gene: MDH2 (malate dehydrogenase 2; plus strand). Cytogenetic location: 7q11.23.
Variant type: single nucleotide variant.
Coding change: c.356C>T on transcript NM_005918.4 (MANE Select); coding-DNA position 356, C replaced by T.
Protein change: p.Thr119Met; replaces threonine 119 with methionine.
Molecular consequence: missense variant.
Genome position (GRCh38, 1-based): chr7:76,058,005, C>T. VCF-style: chr7-76058005-C-T. GRCh37 (hg19) VCF-style: chr7-75687323-C-T.
Other names: c.356C>T, p.Thr119Met (NM_001282403.2); c.35C>T, p.Thr12Met (NM_001282404.2); short protein forms T12M, T119M.
Identifiers: ClinVar variation 1732777 (VCV001732777.3), dbSNP rs782313207, ClinGen allele CA4305509.
Genomic context (GRCh38, chr7:76,058,005, plus strand): 5'-CATCTCATATTGGATCATTTCCAGGCATGACCCGGGACGACCTGTTCAACACCAATGCCA[C>T]GATTGTGGCCACCCTGACCGCTGCCTGTGCCCAGCACTGCCCGGAAGCCATGATCTGCGT-3'
Protein context (NP_005909.2, residues 109-129): TRDDLFNTNA[Thr119Met]IVATLTAACA